The following is an entry in ClinVar:

ClinVar aggregate classification (germline): Likely benign. Review status: criteria provided, multiple submitters, no conflicts (2 of 4 stars). 2 submissions from 2 submitters: Likely benign (2). Last evaluated 2024-10-28.

Conditions:
Adams-Oliver syndrome 5 (AOS5). Identifiers: Orphanet 974, MedGen C4014970, MONDO:0014459, OMIM 616028.

Allele frequency attached by ClinVar (database versions not stated): gnomAD exomes below 0.00001.
gnomAD v4.1: 4 of 1,567,330 alleles (0.00026%); highest among the groups gnomAD compares: East Asian, 0.0023%; no homozygotes.

Submissions (2):

Labcorp Genetics (formerly Invitae), Labcorp
Classification: Likely benign for Adams-Oliver syndrome 5. Last evaluated: 2024-10-28. Review status: criteria provided, single submitter. Criteria: Invitae Variant Classification Sherloc (09022015). Collection method: clinical testing. Allele origin: germline.

GeneDx
Classification: Likely benign. Last evaluated: 2017-11-29. Review status: criteria provided, single submitter. Criteria: GeneDx Variant Classification (06012015). Collection method: clinical testing. Allele origin: germline. Affected: yes.
Comment: This variant is considered likely benign or benign based on one or more of the following criteria: it is a conservative change, it occurs at a poorly conserved position in the protein, it is predicted to be benign by multiple in silico algorithms, and/or has population frequency not consistent with disease.

NM_017617.5(NOTCH1):c.1442-12C>T

Gene: NOTCH1 (notch receptor 1; minus strand). Cytogenetic location: 9q34.3.
Variant type: single nucleotide variant.
Coding change: c.1442-12C>T on transcript NM_017617.5 (MANE Select); 12 bases into the intron before coding-DNA position 1442, C replaced by T.
Molecular consequence: intron variant.
Genome position (GRCh38, 1-based): chr9:136,517,397, G>A on the plus strand (C>T on the coding strand, the complement: NOTCH1 is on the minus strand). VCF-style: chr9-136517397-G-A. GRCh37 (hg19) VCF-style: chr9-139411849-G-A.
Other names: c.1442-12C>T (LRG_1122t1).
Identifiers: ClinVar variation 513403 (VCV000513403.5), dbSNP rs1241878638, ClinGen allele CA658797388.
Genomic context (GRCh38, chr9:136,517,397, plus strand): 5'-CTGCTGGCACACTCGTCTGTGTTGACCTCGCAGTGCACACCCTCGTAGCCTGTGGGGTGG[G>A]GCAACAGTGAGGGGGGCACGCGCGGCCCCAGTGCCCCACTGGGCACAGCTGTGGACTTGG-3'